The following is an entry in ClinVar:

NM_001371986.1(UNC80):c.7395G>A (p.Ala2465=)

Gene: UNC80 (unc-80 subunit of NALCN channel complex; plus strand). Cytogenetic location: 2q34.
Variant type: single nucleotide variant.
Coding change: c.7395G>A on transcript NM_001371986.1 (MANE Select); coding-DNA position 7395, G replaced by A.
Protein change: p.Ala2465=; no amino-acid change (alanine 2465 retained).
Molecular consequence: synonymous variant.
Genome position (GRCh38, 1-based): chr2:209,954,208, G>A. VCF-style: chr2-209954208-G-A. GRCh37 (hg19) VCF-style: chr2-210818932-G-A.
Other names: c.7197G>A, p.Ala2399= (NM_032504.2); c.7182G>A, p.Ala2394= (NM_182587.4).
Identifiers: ClinVar variation 2651857 (VCV002651857.25), dbSNP rs1471722191, ClinGen allele CA431098922.

ClinVar aggregate classification (germline): Likely benign. Review status: criteria provided, multiple submitters, no conflicts (2 of 4 stars). 2 submissions from 2 submitters: Likely benign (2). Last evaluated 2025-12-22.

Allele frequency attached by ClinVar (database versions not stated): gnomAD exomes 0.00001; gnomAD 0.00003; TOPMed 0.00004.
gnomAD v4.1: 20 of 1,550,850 alleles (0.0013%); highest among the groups gnomAD compares: East Asian, 0.022%; no homozygotes.

Submissions (2):

Labcorp Genetics (formerly Invitae), Labcorp
Classification: Likely benign. Last evaluated: 2025-12-22. Review status: criteria provided, single submitter. Criteria: Invitae Variant Classification Sherloc (09022015). Collection method: clinical testing. Allele origin: germline.

CeGaT Center for Human Genetics Tuebingen
Classification: Likely benign. Last evaluated: 2022-12-01. Review status: criteria provided, single submitter. Criteria: CeGaT Center For Human Genetics Tuebingen Variant Classification Criteria Version 2. Collection method: clinical testing. Allele origin: germline. Affected: yes. Observed: 1 variant allele.
Comment: UNC80: BP4, BP7